The following is an entry in ClinVar:

ClinVar aggregate classification (germline): Pathogenic (1 of 4 stars; one submission).

Submission:

GeneDx
Classification: Pathogenic. Last evaluated: 2015-06-15. Review status: criteria provided, single submitter. Criteria: GeneDx Variant Classification (06012015). Collection method: clinical testing. Allele origin: germline. Affected: yes.
Comment: The E1243X variant in the TSC2 is predicted to cause loss of normal protein function either through protein truncation or nonsense mRNA decay. Although this variant has notbeen reported to our knowledge, several nonsense variants at nearby codons have been reported in association with tuberous sclerosis, and therefore the E1243X variant is considered pathogenic.

NM_000548.5(TSC2):c.3727G>T (p.Glu1243Ter)

Gene: TSC2 (TSC complex subunit 2; plus strand). Cytogenetic location: 16p13.3.
Variant type: single nucleotide variant.
Coding change: c.3727G>T on transcript NM_000548.5 (MANE Select); coding-DNA position 3727, G replaced by T.
Protein change: p.Glu1243Ter; replaces glutamic acid 1243 with a stop codon.
Molecular consequence: nonsense.
Genome position (GRCh38, 1-based): chr16:2,081,711, G>T. VCF-style: chr16-2081711-G-T. GRCh37 (hg19) VCF-style: chr16-2131712-G-T.
Other names: c.3595G>T, p.Glu1199Ter (NM_001077183.3, NM_001370404.1); c.3727G>T, p.Glu1243Ter (NM_001114382.3); c.3487G>T, p.Glu1163Ter (NM_001318827.2); c.3451G>T, p.Glu1151Ter (NM_001318829.2); c.2995G>T, p.Glu999Ter (NM_001318831.2); c.3628G>T, p.Glu1210Ter (NM_001318832.2); c.3598G>T, p.Glu1200Ter (NM_001363528.2, NM_001370405.1, NM_021055.3); short protein forms E1243*, E1163*, E1151*, E1199*, E1200*, E1210*, E999*.
Identifiers: ClinVar variation 379853 (VCV000379853.2), dbSNP rs1057520759, ClinGen allele CA16607156.